The following is an entry in ClinVar:

ClinVar aggregate classification (germline): Uncertain significance (1 of 4 stars; one submission).

Allele frequency attached by ClinVar (database versions not stated): ESP Exome Variant Server 0.00015; 1000 Genomes Project 30x 0.00125; 1000 Genomes Project 0.00160; gnomAD exomes 0.00001 and 0.00005; gnomAD 0.00005 and 0.00009; ExAC 0.00007; TOPMed 0.00008.
gnomAD v4.1: 39 of 1,614,246 alleles (0.0024%); highest among the groups gnomAD compares: African/African-American, 0.041%; no homozygotes.

Submission:

Labcorp Genetics (formerly Invitae), Labcorp
Classification: Uncertain significance. Last evaluated: 2025-03-31. Review status: criteria provided, single submitter. Criteria: Invitae Variant Classification Sherloc (09022015). Collection method: clinical testing. Allele origin: germline.
Comment: This sequence change replaces isoleucine, which is neutral and non-polar, with methionine, which is neutral and non-polar, at codon 234 of the ARMC9 protein (p.Ile234Met). This variant is present in population databases (rs148694421, gnomAD 0.05%). This variant has not been reported in the literature in individuals affected with ARMC9-related conditions. ClinVar contains an entry for this variant (Variation ID: 839768). Experimental studies and prediction algorithms are not available or were not evaluated, and the functional significance of this variant is currently unknown. In summary, the available evidence is currently insufficient to determine the role of this variant in disease. Therefore, it has been classified as a Variant of Uncertain Significance.

NM_001352754.2(ARMC9):c.702C>G (p.Ile234Met)

Gene: ARMC9 (armadillo repeat containing 9; plus strand). Cytogenetic location: 2q37.1.
Variant type: single nucleotide variant.
Coding change: c.702C>G on transcript NM_001352754.2 (MANE Select); coding-DNA position 702, C replaced by G.
Protein change: p.Ile234Met; replaces isoleucine 234 with methionine.
Molecular consequence: missense variant. On other transcripts: non-coding transcript variant (1).
Genome position (GRCh38, 1-based): chr2:231,235,303, C>G. VCF-style: chr2-231235303-C-G. GRCh37 (hg19) VCF-style: chr2-232100016-C-G.
Other names: c.702C>G, p.Ile234Met (NM_001271466.4, NM_001291656.2, NM_001352755.2 and 5 more transcripts); short protein forms I234M.
Identifiers: ClinVar variation 839768 (VCV000839768.7), dbSNP rs148694421, ClinGen allele CA2160023.